The following is an entry in ClinVar:

NM_001942.4(DSG1):c.1046T>C (p.Ile349Thr)

Gene: DSG1 (desmoglein 1; plus strand). Cytogenetic location: 18q12.1.
Variant type: single nucleotide variant.
Coding change: c.1046T>C on transcript NM_001942.4 (MANE Select); coding-DNA position 1046, T replaced by C.
Protein change: p.Ile349Thr; replaces isoleucine 349 with threonine.
Molecular consequence: missense variant.
Genome position (GRCh38, 1-based): chr18:31,336,394, T>C. VCF-style: chr18-31336394-T-C. GRCh37 (hg19) VCF-style: chr18-28916357-T-C.
Other names: c.1046T>C (NM_001942.3); short protein forms I349T.
Identifiers: ClinVar variation 2175549 (VCV002175549.5), dbSNP rs779154539, ClinGen allele CA8926007.
Genomic context (GRCh38, chr18:31,336,394, plus strand): 5'-TTTTACTCTGTATTTTCTAGCCCTTAGATTATGAAGCTATGCAGAGTCTGCAACTCAGTA[T>C]TGGTGTCAGAAATAAAGCTGAATTTCATCATTCAATTATGTCTCAATATAAACTGAAAGC-3'
Protein context (NP_001933.2, residues 339-359): YEAMQSLQLS[Ile349Thr]GVRNKAEFHH

ClinVar aggregate classification (germline): Uncertain significance. Review status: criteria provided, multiple submitters, no conflicts (2 of 4 stars). 2 submissions from 2 submitters: Uncertain significance (2). Last evaluated 2026-01-18.

Conditions:
DSG1-related disorder. Also called: DSG1-related condition.

Allele frequency attached by ClinVar (database versions not stated): ExAC 0.00002; gnomAD exomes 0.00002; TOPMed 0.00002; gnomAD 0.00003.
gnomAD v4.1: 36 of 1,613,752 alleles (0.0022%); highest among the groups gnomAD compares: Middle Eastern, 0.033%; no homozygotes.

Submissions (2):

Labcorp Genetics (formerly Invitae), Labcorp
Classification: Uncertain significance. Last evaluated: 2026-01-18. Review status: criteria provided, single submitter. Criteria: Invitae Variant Classification Sherloc (09022015). Collection method: clinical testing. Allele origin: germline.
Comment: This sequence change replaces isoleucine, which is neutral and non-polar, with threonine, which is neutral and polar, at codon 349 of the DSG1 protein (p.Ile349Thr). This variant is present in population databases (rs779154539, gnomAD 0.006%). This variant has not been reported in the literature in individuals affected with DSG1-related conditions. ClinVar contains an entry for this variant (Variation ID: 2175549). Invitae Evidence Modeling of protein sequence and biophysical properties (such as structural, functional, and spatial information, amino acid conservation, physicochemical variation, residue mobility, and thermodynamic stability) indicates that this missense variant is not expected to disrupt DSG1 protein function with a negative predictive value of 80%. In summary, the available evidence is currently insufficient to determine the role of this variant in disease. Therefore, it has been classified as a Variant of Uncertain Significance.

PreventionGenetics, part of Exact Sciences
Classification: Uncertain significance for DSG1-related condition. Last evaluated: 2023-04-27. Review status: criteria provided, single submitter. Criteria: ACMG Guidelines, 2015. Collection method: clinical testing. Allele origin: germline.
Comment: The DSG1 c.1046T>C variant is predicted to result in the amino acid substitution p.Ile349Thr. To our knowledge, this variant has not been reported in the literature. This variant is reported in 0.0039% of alleles in individuals of European (Non-Finnish) descent in gnomAD. At this time, the clinical significance of this variant is uncertain due to the absence of conclusive functional and genetic evidence.